The following is an entry in ClinVar:

GRCh37/hg19 Xq27.1-28(chrX:139493806-148855992)x1

Genes: AFF2 (ALF transcription elongation factor 2; plus strand), CDR1 (cerebellar degeneration related 1; minus strand), CXorf51A (chromosome X open reading frame 51A; minus strand), CXorf51B (chromosome X open reading frame 51B; plus strand), EOLA1 (endothelium and lymphocyte associated ASCH domain 1; plus strand) and 31 more. Cytogenetic location: Xq27.1-28.
Variant type: copy number loss.
Change: copy number 1 of chrX:139,493,806-148,855,992 (9.36 Mb, GRCh37 coordinates, 1-based), cytogenetic band Xq27.1-28.
Identifiers: ClinVar variation 1808671 (VCV001808671.1).

ClinVar aggregate classification (germline): Pathogenic (1 of 4 stars; one submission).

Submission:

Quest Diagnostics Nichols Institute San Juan Capistrano
Classification: Pathogenic. Last evaluated: 2022-05-23. Review status: criteria provided, single submitter. Criteria: ACMG/ClinGen CNV Guidelines, 2019. Collection method: clinical testing. Allele origin: unknown.
Comment: The copy number loss of Xq27.1q28 involves numerous protein-coding genes, including SOX3 (OMIM 313430), FMR1 (OMIM 309550), AFF2 (OMIM 300806), and IDS (300823). Overlapping, mostly de novo, hemizygous deletions, including FMR1, AFF2, and IDS, have been reported in both males and females with intellectual disability/developmental delay, autism spectrum disorder, seizure, and/or characteristic facial features in both males and females (Husson 2020, Katoh 2020, Myers 2019). Additionally, haploinsufficiency of AFF2 and IDS has been associated with X-linked recessive intellectual developmental disorder-109 (XLID109; OMIM 309548) and mucopolysaccharidosis type II (MPS2; OMIM 309900), respectively. MPS2 is characterized by a deficiency of the lysosomal enzyme iduronate sulfatase, leading to progressive accumulation of glycosaminoglycans in nearly all cell types, tissues, and organ. As copy number deletions of this interval have been associated with a clinical phenotype, and there are no similar copy number losses of this region in the general populations of the Database of Genomic Variants, based on current medical literature and gene content, this copy number variant (CNV) is interpreted as pathogenic. Clinical presentation of this finding in a female is typically dependent upon X-inactivation status. References: Husson et al., Transl Psychiatry. 2020 Feb 24;10(1):77. PMID: 32094338 Katoh et al., Hum Mutat. 2020 Aug;41(8):1447-1460. PMID: 32485067 Myers et al., Pediatrics. 2019 Sep;144(3):e20190599. PMID: 31439621